The following is an entry in ClinVar:

NM_005566.4(LDHA):c.711-340A>T

Gene: LDHA (lactate dehydrogenase A; plus strand). Cytogenetic location: 11p15.1.
Variant type: single nucleotide variant.
Coding change: c.711-340A>T on transcript NM_005566.4 (MANE Select); 340 bases into the intron before coding-DNA position 711, A replaced by T.
Molecular consequence: intron variant.
Genome position (GRCh38, 1-based): chr11:18,405,109, A>T. VCF-style: chr11-18405109-A-T. GRCh37 (hg19) VCF-style: chr11-18426656-A-T.
Other names: c.710+1298A>T (NM_001165416.2); c.537-340A>T (NM_001135239.2); c.687+1321A>T (NM_001165415.2); c.798-340A>T (NM_001165414.2).
Identifiers: ClinVar variation 684193 (VCV000684193.2), dbSNP rs6486424, ClinGen allele CA13548526.

ClinVar aggregate classification (germline): Benign. Review status: criteria provided, multiple submitters, no conflicts (2 of 4 stars). 2 submissions from 2 submitters: Benign (2). Last evaluated 2018-06-14.

Allele frequency attached by ClinVar (database versions not stated): TOPMed 0.46464; gnomAD 0.48036 and 0.48710; 1000 Genomes Project 30x 0.48876; 1000 Genomes Project 0.49820.
gnomAD v4.1: 74,165 of 152,000 alleles (49%); highest among the groups gnomAD compares: South Asian, 61%; 19,451 homozygotes.

Submissions (2):

GeneDx
Classification: Benign. Last evaluated: 2018-06-14. Review status: criteria provided, single submitter. Criteria: GeneDx Variant Classification (06012015). Collection method: clinical testing. Allele origin: germline. Affected: yes.
Comment: This variant is considered likely benign or benign based on one or more of the following criteria: it is a conservative change, it occurs at a poorly conserved position in the protein, it is predicted to be benign by multiple in silico algorithms, and/or has population frequency not consistent with disease.

Breakthrough Genomics
Classification: Benign. Review status: criteria provided, single submitter. Criteria: ACMG Guidelines, 2015. Collection method: not provided. Allele origin: germline. Inheritance: Autosomal recessive inheritance. Affected: yes.